The following is an entry in ClinVar:

NM_152564.5(VPS13B):c.1482del (p.Thr495fs)

Gene: VPS13B (vacuolar protein sorting 13 homolog B; plus strand). Cytogenetic location: 8q22.2.
Variant type: Deletion.
Coding change: c.1482del on transcript NM_152564.5 (MANE Select); coding-DNA position 1482, one base deleted (T; older notation c.1482delT).
Protein change: p.Thr495fs; shifts the reading frame from threonine 495.
Molecular consequence: frameshift variant.
Genome position (GRCh38, 1-based): chr8:99,135,652, T deleted; the last of 2 consecutive T bases (chr8:99,135,651-99,135,652); deleting either gives the same sequence. VCF-style (leftmost placement, unchanged base first): chr8-99135650-CT-C. GRCh37 (hg19) VCF-style: chr8-100147878-CT-C.
Other names: c.1482del, p.Thr495fs (NM_015243.3, NM_017890.5); c.1482delT (NM_152564.4); short protein forms T495fs.
Identifiers: ClinVar variation 1325341 (VCV001325341.10), dbSNP rs2132556658, ClinGen allele CA2573053067.
Genomic context (GRCh38, chr8:99,135,650, plus strand): 5'-TTTCAGGAAGCCTGTTTCTTCATTTGTGGTGACAATTTGAGTACGAAAGGTTTCACATAC[CT>C]TACAAATTCATTGTTTGATTACCGAAGCCCAGAAAATAATGGTACTCGCGCAGAATTTAT-3'

ClinVar aggregate classification (germline): Pathogenic/Likely pathogenic. Review status: criteria provided, multiple submitters, no conflicts (2 of 4 stars). 4 submissions from 4 submitters: Pathogenic (1); Likely pathogenic (3). Last evaluated 2025-10-06.

Conditions:
Cohen syndrome (COH1). Also called: PEPPER SYNDROME; Cutis verticis gyrata, retinitis pigmentosa, and sensorineural deafness. Identifiers: Orphanet 193, MedGen C0265223, MONDO:0008999, OMIM 216550.
VPS13B-related disorder. Also called: VPS13B-related condition.

Submissions (4):

PreventionGenetics, part of Exact Sciences
Classification: Likely pathogenic for VPS13B-related condition. Last evaluated: 2025-10-06. Review status: criteria provided, single submitter. Criteria: ACMG Guidelines, 2015. Collection method: clinical testing. Allele origin: germline.
Comment: The VPS13B c.1482delT variant is predicted to result in a frameshift and premature protein termination (p.Thr495Glnfs*33). To our knowledge, this variant has not been reported in the literature. This variant is absent in a large population database (gnomAD), indicating this variant is rare. Frameshift variants in VPS13B are an established mechanism of disease. This variant is interpreted as likely pathogenic.

Natera, Inc.
Classification: Likely pathogenic for Cohen syndrome. Last evaluated: 2024-10-30. Review status: criteria provided, single submitter. Criteria: Natera Variant Classification Schema (03/2026). Collection method: clinical testing. Allele origin: germline.
Comment: The c.1482del variant in VPS13B is a frameshift variant predicted to shift the reading frame beginning at codon 495 and leads to a stop codon 33 codons downstream. This variant is expected to result in nonsense mediated decay, truncation, or a dysfunctional protein product. This variant is rare in the general population with a frequency below the threshold expected for the associated phenotype(s). Given the available evidence, this variant is classified as Likely Pathogenic.

Labcorp Genetics (formerly Invitae), Labcorp
Classification: Pathogenic for Cohen syndrome. Last evaluated: 2024-01-29. Review status: criteria provided, single submitter. Criteria: Invitae Variant Classification Sherloc (09022015). Collection method: clinical testing. Allele origin: germline.
Comment: This sequence change creates a premature translational stop signal (p.Thr495Glnfs*33) in the VPS13B gene. It is expected to result in an absent or disrupted protein product. Loss-of-function variants in VPS13B are known to be pathogenic (PMID: 15141358, 16648375, 20461111). This variant is not present in population databases (gnomAD no frequency). This variant has not been reported in the literature in individuals affected with VPS13B-related conditions. ClinVar contains an entry for this variant (Variation ID: 1325341). For these reasons, this variant has been classified as Pathogenic.

Revvity Omics, Revvity
Classification: Likely pathogenic for Cohen syndrome. Last evaluated: 2021-02-08. Review status: criteria provided, single submitter. Criteria: ACMG Guidelines, 2015. Collection method: clinical testing. Allele origin: germline.

Literature cited by the submitters: PubMed 15141358 (cited by Labcorp Genetics (formerly Invitae), Labcorp); PubMed 16648375 (cited by Labcorp Genetics (formerly Invitae), Labcorp); PubMed 20461111 (cited by Labcorp Genetics (formerly Invitae), Labcorp).